The following is an entry in ClinVar:

NM_015311.3(OBSL1):c.2974T>C (p.Tyr992His)

Gene: OBSL1 (obscurin like cytoskeletal adaptor 1; minus strand). Cytogenetic location: 2q35.
Variant type: single nucleotide variant.
Coding change: c.2974T>C on transcript NM_015311.3 (MANE Select); coding-DNA position 2974, T replaced by C.
Protein change: p.Tyr992His; replaces tyrosine 992 with histidine.
Molecular consequence: missense variant.
Genome position (GRCh38, 1-based): chr2:219,559,477, A>G on the plus strand (T>C on the coding strand, the complement: OBSL1 is on the minus strand). VCF-style: chr2-219559477-A-G. GRCh37 (hg19) VCF-style: chr2-220424199-A-G.
Other names: c.2974T>C, p.Tyr992His (NM_001173431.2); short protein forms Y992H.
Identifiers: ClinVar variation 2182046 (VCV002182046.2), dbSNP rs755252920, ClinGen allele CA2131002.

ClinVar aggregate classification (germline): Uncertain significance (1 of 4 stars; one submission).

Allele frequency attached by ClinVar (database versions not stated): ExAC 0.00001.
gnomAD v4.1: 86 of 1,613,618 alleles (0.0053%); highest among the groups gnomAD compares: Non-Finnish European, 0.0071%; no homozygotes.

Submission:

Labcorp Genetics (formerly Invitae), Labcorp
Classification: Uncertain significance. Last evaluated: 2022-04-19. Review status: criteria provided, single submitter. Criteria: Invitae Variant Classification Sherloc (09022015). Collection method: clinical testing. Allele origin: germline.
Comment: This sequence change replaces tyrosine, which is neutral and polar, with histidine, which is basic and polar, at codon 992 of the OBSL1 protein (p.Tyr992His). This variant is present in population databases (rs755252920, gnomAD 0.005%). This variant has not been reported in the literature in individuals affected with OBSL1-related conditions. Algorithms developed to predict the effect of missense changes on protein structure and function output the following: SIFT: "Tolerated"; PolyPhen-2: "Benign"; Align-GVGD: "Class C0". The histidine amino acid residue is found in multiple mammalian species, which suggests that this missense change does not adversely affect protein function. In summary, the available evidence is currently insufficient to determine the role of this variant in disease. Therefore, it has been classified as a Variant of Uncertain Significance.